The following is an entry in ClinVar:

NM_000492.4(CFTR):c.2396A>G (p.Gln799Arg)

Gene: CFTR (CF transmembrane conductance regulator; plus strand). Cytogenetic location: 7q31.2.
Variant type: single nucleotide variant.
Coding change: c.2396A>G on transcript NM_000492.4 (MANE Select); coding-DNA position 2396, A replaced by G.
Protein change: p.Gln799Arg; replaces glutamine 799 with arginine.
Molecular consequence: missense variant.
Genome position (GRCh38, 1-based): chr7:117,592,563, A>G. VCF-style: chr7-117592563-A-G. GRCh37 (hg19) VCF-style: chr7-117232617-A-G.
Other names: short protein forms Q799R.
Identifiers: ClinVar variation 4646752 (VCV004646752.1).

ClinVar aggregate classification (germline): Uncertain significance (1 of 4 stars; one submission).

Conditions:
Cystic fibrosis (CF). Also called: MUCOVISCIDOSIS. Identifiers: Orphanet 586, MedGen C0010674, MONDO:0009061, OMIM 219700. Disease mechanism: loss of function.

gnomAD v4.1: 3 of 1,521,510 alleles (0.0002%); highest among the groups gnomAD compares: South Asian, 0.0027%; no homozygotes.

Submission:

Ambry Genetics
Classification: Uncertain significance for Cystic fibrosis. Last evaluated: 2025-09-26. Review status: criteria provided, single submitter. Criteria: Ambry Variant Classification Scheme 2023. Collection method: clinical testing. Allele origin: germline.
Comment: The p.Q799R variant (also known as c.2396A>G), located in coding exon 14 of the CFTR gene, results from an A to G substitution at nucleotide position 2396. The glutamine at codon 799 is replaced by arginine, an amino acid with highly similar properties. This amino acid position is conserved. In addition, the in silico prediction for this alteration is inconclusive. Based on the available evidence, the clinical significance of this variant remains unclear.